The following is an entry in ClinVar:

NM_001184.4(ATR):c.5996A>G (p.His1999Arg)

Gene: ATR (ATR checkpoint kinase; minus strand). Cytogenetic location: 3q23.
Variant type: single nucleotide variant.
Coding change: c.5996A>G on transcript NM_001184.4 (MANE Select); coding-DNA position 5996, A replaced by G.
Protein change: p.His1999Arg; replaces histidine 1999 with arginine.
Molecular consequence: missense variant.
Genome position (GRCh38, 1-based): chr3:142,493,214, T>C on the plus strand (A>G on the coding strand, the complement: ATR is on the minus strand). VCF-style: chr3-142493214-T-C. GRCh37 (hg19) VCF-style: chr3-142212056-T-C.
Other names: c.5804A>G, p.His1935Arg (NM_001354579.2); short protein forms H1999R, H1935R.
Identifiers: ClinVar variation 1520769 (VCV001520769.10), dbSNP rs764703895, ClinGen allele CA2649440.

ClinVar aggregate classification (germline): Uncertain significance. Review status: criteria provided, multiple submitters, no conflicts (2 of 4 stars). 4 submissions from 3 submitters: Uncertain significance (4). Last evaluated 2025-11-10.

Conditions:
Familial cutaneous telangiectasia and oropharyngeal predisposition cancer syndrome. Identifiers: Orphanet 313846, MedGen C3281203, MONDO:0013806, OMIM 614564.
Seckel syndrome 1 (SCKL1). Also called: MICROCEPHALIC PRIMORDIAL DWARFISM I. Identifiers: Orphanet 808, MedGen C4551474, MONDO:0008869, OMIM 210600.
Inborn genetic diseases. Identifiers: MedGen C0950123, MeSH D030342.

Allele frequency attached by ClinVar (database versions not stated): gnomAD exomes 0.00001; ExAC 0.00002.
gnomAD v4.1: 4 of 1,613,752 alleles (0.00025%); highest among the groups gnomAD compares: East Asian, 0.0067%; no homozygotes.

Submissions (4):

Labcorp Genetics (formerly Invitae), Labcorp
Classification: Uncertain significance. Last evaluated: 2025-11-10. Review status: criteria provided, single submitter. Criteria: Invitae Variant Classification Sherloc (09022015). Collection method: clinical testing. Allele origin: germline.
Comment: This sequence change replaces histidine, which is basic and polar, with arginine, which is basic and polar, at codon 1999 of the ATR protein (p.His1999Arg). This variant is present in population databases (rs764703895, gnomAD 0.006%). This variant has not been reported in the literature in individuals affected with ATR-related conditions. ClinVar contains an entry for this variant (Variation ID: 1520769). An algorithm developed to predict the effect of missense changes on protein structure and function (PolyPhen-2) suggests that this variant is likely to be tolerated. In summary, the available evidence is currently insufficient to determine the role of this variant in disease. Therefore, it has been classified as a Variant of Uncertain Significance.

Genome-Nilou Lab
Classification: Uncertain significance for Seckel syndrome 1. Last evaluated: 2023-02-08. Review status: criteria provided, single submitter. Criteria: ACMG Guidelines, 2015. Collection method: clinical testing. Allele origin: germline.

Genome-Nilou Lab
Classification: Uncertain significance for Familial cutaneous telangiectasia and oropharyngeal predisposition cancer syndrome. Last evaluated: 2023-02-08. Review status: criteria provided, single submitter. Criteria: ACMG Guidelines, 2015. Collection method: clinical testing. Allele origin: germline.

Ambry Genetics
Classification: Uncertain significance for Inborn genetic diseases. Last evaluated: 2022-06-09. Review status: criteria provided, single submitter. Criteria: Ambry Variant Classification Scheme 2023. Collection method: clinical testing. Allele origin: germline.
Comment: The p.H1999R variant (also known as c.5996A>G), located in coding exon 35 of the ATR gene, results from an A to G substitution at nucleotide position 5996. The histidine at codon 1999 is replaced by arginine, an amino acid with highly similar properties. This amino acid position is conserved. In addition, the in silico prediction for this alteration is inconclusive. Since supporting evidence is limited at this time, the clinical significance of this alteration remains unclear.